The following is an entry in ClinVar:

NM_015102.5(NPHP4):c.2821_2822insT (p.Gln941fs)

Gene: NPHP4 (nephrocystin 4; minus strand). Cytogenetic location: 1p36.31.
Variant type: Insertion.
Coding change: c.2821_2822insT on transcript NM_015102.5 (MANE Select); coding-DNA positions 2821 to 2822, T inserted.
Protein change: p.Gln941fs; shifts the reading frame from glutamine 941.
Molecular consequence: frameshift variant. On other transcripts: non-coding transcript variant (1).
Genome position: GRCh38 VCF-style: chr1-5875096-T-TA. GRCh37 (hg19) VCF-style: chr1-5935156-T-TA.
Other names: c.1282_1283insT, p.Gln428fs (NM_001291593.2); c.1285_1286insT, p.Gln429fs (NM_001291594.2); short protein forms Q429fs, Q428fs, Q941fs.
Identifiers: ClinVar variation 2030835 (VCV002030835.4), dbSNP rs768093553, ClinGen allele CA553909.

ClinVar aggregate classification (germline): Pathogenic (1 of 4 stars; one submission).

Conditions:
Nephronophthisis. Also called: Juvenile Nephronophthisis. Identifiers: Orphanet 655, MedGen C0687120, MONDO:0019005, HP:0000090.

Allele frequency attached by ClinVar (database versions not stated): gnomAD exomes below 0.00001; ExAC 0.00001.

Submission:

Labcorp Genetics (formerly Invitae), Labcorp
Classification: Pathogenic for Nephronophthisis. Last evaluated: 2022-09-26. Review status: criteria provided, single submitter. Criteria: Invitae Variant Classification Sherloc (09022015). Collection method: clinical testing. Allele origin: germline.
Comment: For these reasons, this variant has been classified as Pathogenic. This sequence change creates a premature translational stop signal (p.Gln941Leufs*52) in the NPHP4 gene. It is expected to result in an absent or disrupted protein product. Loss-of-function variants in NPHP4 are known to be pathogenic (PMID: 12205563, 23559409). This variant is present in population databases (rs768093553, gnomAD 0.003%). This variant has not been reported in the literature in individuals affected with NPHP4-related conditions. Algorithms developed to predict the effect of sequence changes on RNA splicing suggest that this variant may create or strengthen a splice site.

Literature cited by the submitters: PubMed 12205563; PubMed 23559409.